The following is an entry in ClinVar:

NM_020771.4(HACE1):c.1757del (p.Phe586fs)

Gene: HACE1 (HECT domain and ankyrin repeat containing E3 ubiquitin protein ligase 1; minus strand). Cytogenetic location: 6q16.3.
Variant type: Deletion.
Coding change: c.1757del on transcript NM_020771.4 (MANE Select); coding-DNA position 1757, one base deleted (T; older notation c.1757delT).
Protein change: p.Phe586fs; shifts the reading frame from phenylalanine 586.
Molecular consequence: frameshift variant. On other transcripts: non-coding transcript variant (7).
Genome position (GRCh38, 1-based): chr6:104,777,032, A deleted on the plus strand (T on the coding strand, the reverse complement: HACE1 is on the minus strand); the first of 2 consecutive A bases (chr6:104,777,032-104,777,033); deleting either gives the same sequence. VCF-style (leftmost placement, unchanged base first): chr6-104777031-GA-G. GRCh37 (hg19) VCF-style: chr6-105224906-GA-G.
Other names: c.1625del, p.Phe542fs (NM_001321080.2); c.1655del, p.Phe552fs (NM_001321083.2); c.1253del, p.Phe418fs (NM_001321084.2, NM_001350557.2, NM_001350558.2); c.1523del, p.Phe508fs (NM_001350554.2); c.1466del, p.Phe489fs (NM_001350555.2); c.1271del, p.Phe424fs (NM_001350556.2); c.1175del, p.Phe392fs (NM_001350559.2); c.974del, p.Phe325fs (NM_001350560.2); short protein forms F325fs, F392fs, F418fs, F424fs, F489fs, F508fs, F542fs, F552fs.
Identifiers: ClinVar variation 4856079 (VCV004856079.1).

ClinVar aggregate classification (germline): Pathogenic (1 of 4 stars; one submission).

Conditions:
Spastic paraplegia-severe developmental delay-epilepsy syndrome. Also called: Spastic paraplegia and psychomotor retardation with or without seizures. Identifiers: Orphanet 464282, MedGen C4225215, MONDO:0014764, OMIM 616756.

Submission:

3billion
Classification: Pathogenic for Spastic paraplegia-severe developmental delay-epilepsy syndrome. Last evaluated: 2026-01-21. Review status: criteria provided, single submitter. Criteria: ACMG Guidelines, 2015. Collection method: clinical testing. Allele origin: germline. Affected: yes.
Comment: The variant is not observed in the gnomAD v4.1.0 dataset. Predicted Consequence/Location: Frameshift: predicted to result in a loss or disruption of normal protein function through nonsense-mediated decay (NMD) or protein truncation. Multiple pathogenic variants are reported downstream of the variant. Therefore, this variant is classified as Pathogenic according to the recommendation of ACMG/AMP guideline.